The following is an entry in ClinVar:

ClinVar aggregate classification (germline): Uncertain significance. Review status: criteria provided, multiple submitters, no conflicts (2 of 4 stars). 2 submissions from 2 submitters: Uncertain significance (2). Last evaluated 2026-05-14.

Conditions:
Hereditary cancer-predisposing syndrome. Also called: Neoplastic Syndromes, Hereditary; Hereditary neoplastic syndrome; Hereditary Cancer Syndrome; Tumor predisposition. Identifiers: Orphanet 140162, MedGen C0027672, MeSH D009386, MONDO:0015356.
Rhabdoid tumor predisposition syndrome 2 (RTPS2). Identifiers: Orphanet 231108, Orphanet 69077, MedGen C2750074, MONDO:0013224, OMIM 613325.

gnomAD v4.1: 1 of 1,612,962 alleles (0.000062%); no homozygotes.

Submissions (2):

Ambry Genetics
Classification: Uncertain significance for Hereditary cancer-predisposing syndrome. Last evaluated: 2026-05-14. Review status: criteria provided, single submitter. Criteria: Ambry Variant Classification Scheme 2023. Collection method: clinical testing. Allele origin: germline.

Labcorp Genetics (formerly Invitae), Labcorp
Classification: Uncertain significance for Rhabdoid tumor predisposition syndrome 2. Last evaluated: 2024-01-09. Review status: criteria provided, single submitter. Criteria: Invitae Variant Classification Sherloc (09022015). Collection method: clinical testing. Allele origin: germline.
Comment: This sequence change replaces proline, which is neutral and non-polar, with histidine, which is basic and polar, at codon 354 of the SMARCA4 protein (p.Pro354His). This variant is not present in population databases (gnomAD no frequency). This variant has not been reported in the literature in individuals affected with SMARCA4-related conditions. ClinVar contains an entry for this variant (Variation ID: 665510). Advanced modeling of protein sequence and biophysical properties (such as structural, functional, and spatial information, amino acid conservation, physicochemical variation, residue mobility, and thermodynamic stability) performed at Invitae indicates that this missense variant is expected to disrupt SMARCA4 protein function with a positive predictive value of 95%. In summary, the available evidence is currently insufficient to determine the role of this variant in disease. Therefore, it has been classified as a Variant of Uncertain Significance.

NM_003072.5(SMARCA4):c.1061C>A (p.Pro354His)

Gene: SMARCA4 (SWI/SNF related BAF chromatin remodeling complex subunit ATPase 4; plus strand). Cytogenetic location: 19p13.2.
Variant type: single nucleotide variant.
Coding change: c.1061C>A on transcript NM_003072.5 (MANE Select); coding-DNA position 1061, C replaced by A.
Protein change: p.Pro354His; replaces proline 354 with histidine.
Molecular consequence: missense variant. On other transcripts: non-coding transcript variant (1).
Genome position (GRCh38, 1-based): chr19:10,987,867, C>A. VCF-style: chr19-10987867-C-A. GRCh37 (hg19) VCF-style: chr19-11098543-C-A.
Other names: c.1061C>A, p.Pro354His (NM_001128844.3, NM_001128845.2, NM_001128846.2 and 5 more transcripts); short protein forms P354H.
Identifiers: ClinVar variation 665510 (VCV000665510.9), dbSNP rs1599971262, ClinGen allele CA404058736.
Genomic context (GRCh38, chr19:10,987,867, plus strand): 5'-GGCAGCCGGCCCAGCCCGCGCCCATGGTGCCACTGCACCAGAAGCAGAGCCGCATCACCC[C>A]CATCCAGAAGCCGCGGGGCCTCGACCCTGTGGAGATCCTGCAGGAGCGCGAGTACAGGTG-3'
Protein context (NP_003063.2, residues 344-364): PLHQKQSRIT[Pro354His]IQKPRGLDPV